The following is an entry in ClinVar:

ClinVar aggregate classification (germline): Uncertain significance (1 of 4 stars; one submission).

Conditions:
Arrhythmogenic right ventricular dysplasia 11. Also called: ARRHYTHMOGENIC RIGHT VENTRICULAR DYSPLASIA, FAMILIAL, 11; Arrhythmogenic Right Ventricular Dysplasia/Cardiomyopathy11; Arrhythmogenic right ventricular dysplasia 11 with mild palmoplantar keratoderma and woolly hair. Identifiers: MedGen C1864850, MONDO:0012506, OMIM 610476.

gnomAD v4.1: 2 of 1,614,086 alleles (0.00012%); highest among the groups gnomAD compares: Non-Finnish European, 0.000085%; no homozygotes.

Submission:

Labcorp Genetics (formerly Invitae), Labcorp
Classification: Uncertain significance for Arrhythmogenic right ventricular dysplasia 11. Last evaluated: 2023-06-24. Review status: criteria provided, single submitter. Criteria: Invitae Variant Classification Sherloc (09022015). Collection method: clinical testing. Allele origin: germline.
Comment: This variant has not been reported in the literature in individuals affected with DSC2-related conditions. This variant is not present in population databases (gnomAD no frequency). This sequence change replaces histidine, which is basic and polar, with proline, which is neutral and non-polar, at codon 803 of the DSC2 protein (p.His803Pro). An algorithm developed to predict the effect of missense changes on protein structure and function (PolyPhen-2) suggests that this variant is likely to be disruptive. In summary, the available evidence is currently insufficient to determine the role of this variant in disease. Therefore, it has been classified as a Variant of Uncertain Significance.

NM_024422.6(DSC2):c.2408A>C (p.His803Pro)

Gene: DSC2 (desmocollin 2; minus strand). Cytogenetic location: 18q12.1.
Variant type: single nucleotide variant.
Coding change: c.2408A>C on transcript NM_024422.6 (MANE Select); coding-DNA position 2408, A replaced by C.
Protein change: p.His803Pro; replaces histidine 803 with proline.
Molecular consequence: missense variant.
Genome position (GRCh38, 1-based): chr18:31,068,994, T>G on the plus strand (A>C on the coding strand, the complement: DSC2 is on the minus strand). VCF-style: chr18-31068994-T-G. GRCh37 (hg19) VCF-style: chr18-28648960-T-G.
Other names: c.1979A>C, p.His660Pro (NM_001406506.1, NM_001406507.1); c.2408A>C, p.His803Pro (NM_004949.5); short protein forms H803P, H660P.
Identifiers: ClinVar variation 2883777 (VCV002883777.2), dbSNP rs150124218, ClinGen allele CA402111341.